The following is an entry in ClinVar:

ClinVar aggregate classification (germline): Uncertain significance (1 of 4 stars; one submission).

Submission:

Ambry Genetics
Classification: Uncertain significance. Last evaluated: 2024-06-18. Review status: criteria provided, single submitter. Criteria: Ambry Variant Classification Scheme 2023. Collection method: clinical testing. Allele origin: germline.
Comment: The p.A988G variant (also known as c.2963C>G), located in coding exon 16 of the POLQ gene, results from a C to G substitution at nucleotide position 2963. The alanine at codon 988 is replaced by glycine, an amino acid with similar properties. This amino acid position is conserved. In addition, this alteration is predicted to be tolerated by in silico analysis. Based on the available evidence, the clinical significance of this variant remains unclear.

NM_199420.4(POLQ):c.2963C>G (p.Ala988Gly)

Gene: POLQ (DNA polymerase theta; minus strand). Cytogenetic location: 3q13.33.
Variant type: single nucleotide variant.
Coding change: c.2963C>G on transcript NM_199420.4 (MANE Select); coding-DNA position 2963, C replaced by G.
Protein change: p.Ala988Gly; replaces alanine 988 with glycine.
Molecular consequence: missense variant.
Genome position (GRCh38, 1-based): chr3:121,489,968, G>C on the plus strand (C>G on the coding strand, the complement: POLQ is on the minus strand). VCF-style: chr3-121489968-G-C. GRCh37 (hg19) VCF-style: chr3-121208815-G-C.
Other names: short protein forms A988G.
Identifiers: ClinVar variation 3308738 (VCV003308738.1).
Genomic context (GRCh38, chr3:121,489,968, plus strand): 5'-CCCTCATTCTGAGAGGCTCCTGGCTTCTCTTTATTTATATCTAAAGAGGCCCGTTTTCTT[G>C]CTCTGAAAATGGAACATGTCTGATGTTCTTGATTCCCATTCTGGAAATTACAATTAAAGG-3'
Protein context (NP_955452.3, residues 978-998): QEHQTCSIFR[Ala988Gly]RKRASLDINK